The following is an entry in ClinVar:

NM_005359.6(SMAD4):c.789C>G (p.Asn263Lys)

Gene: SMAD4 (SMAD family member 4; plus strand). Cytogenetic location: 18q21.2.
Variant type: single nucleotide variant.
Coding change: c.789C>G on transcript NM_005359.6 (MANE Select); coding-DNA position 789, C replaced by G.
Protein change: p.Asn263Lys; replaces asparagine 263 with lysine.
Molecular consequence: missense variant.
Genome position (GRCh38, 1-based): chr18:51,058,341, C>G. VCF-style: chr18-51058341-C-G. GRCh37 (hg19) VCF-style: chr18-48584711-C-G.
Other names: short protein forms N263K.
Identifiers: ClinVar variation 827317 (VCV000827317.16), dbSNP rs763510526, ClinGen allele CA402463251.
Genomic context (GRCh38, chr18:51,058,341, plus strand): 5'-AGAAAAAAGTAGGCAGCCTTTATAAAAGCAAATTAACCCATGTGGGCCTTAATTTTTAGA[C>G]AGCACTACCACCTGGACTGGAAGTAGGACTGCACCATACACACCTAATTTGCCTCACCAC-3'
Protein context (NP_005350.1, residues 253-273): FTGQPATYHH[Asn263Lys]STTTWTGSRT

ClinVar aggregate classification (germline): Uncertain significance. Review status: criteria provided, multiple submitters, no conflicts (2 of 4 stars). 4 submissions from 4 submitters: Uncertain significance (4). Last evaluated 2024-12-27.

Conditions:
Juvenile polyposis syndrome (JPS). Identifiers: Orphanet 2929, MedGen C0345893, MONDO:0017380, OMIM 174900.
Hereditary cancer-predisposing syndrome. Also called: Neoplastic Syndromes, Hereditary; Hereditary neoplastic syndrome; Hereditary Cancer Syndrome; Tumor predisposition. Identifiers: Orphanet 140162, MedGen C0027672, MeSH D009386, MONDO:0015356.
Familial thoracic aortic aneurysm and aortic dissection (TAAD). Also called: Thoracic aortic aneurysms and dissections. Identifiers: Orphanet 91387, MedGen C4707243, MONDO:0019625.
Juvenile polyposis/hereditary hemorrhagic telangiectasia syndrome (JPHT). Also called: JP/HHT SYNDROME; JUVENILE POLYPOSIS WITH HEREDITARY HEMORRHAGIC TELANGIECTASIA; POLYPOSIS, GENERALIZED JUVENILE, WITH PULMONARY ARTERIOVENOUS MALFORMATION; TELANGIECTASIA, HEREDITARY HEMORRHAGIC, WITH JUVENILE POLYPOSIS COLI; Juvenile Polyposis Syndrome / Hereditary Hemorrhagic Telangiectasia (JPS/HHT). Identifiers: Orphanet 2929, MedGen C1832942, MONDO:0008278, OMIM 175050.

Submissions (4):

Labcorp Genetics (formerly Invitae), Labcorp
Classification: Uncertain significance for Juvenile polyposis syndrome. Last evaluated: 2024-12-27. Review status: criteria provided, single submitter. Criteria: Invitae Variant Classification Sherloc (09022015). Collection method: clinical testing. Allele origin: germline.
Comment: This sequence change replaces asparagine, which is neutral and polar, with lysine, which is basic and polar, at codon 263 of the SMAD4 protein (p.Asn263Lys). This variant is not present in population databases (gnomAD no frequency). This variant has not been reported in the literature in individuals affected with SMAD4-related conditions. ClinVar contains an entry for this variant (Variation ID: 827317). An algorithm developed to predict the effect of missense changes on protein structure and function (PolyPhen-2) suggests that this variant is likely to be tolerated. In summary, the available evidence is currently insufficient to determine the role of this variant in disease. Therefore, it has been classified as a Variant of Uncertain Significance.

All of Us Research Program, National Institutes of Health
Classification: Uncertain significance for Juvenile polyposis/hereditary hemorrhagic telangiectasia syndrome. Last evaluated: 2024-07-29. Review status: criteria provided, single submitter. Criteria: ACMG Guidelines, 2015. Collection method: clinical testing. Allele origin: germline. Inheritance: Autosomal dominant inheritance. Observed: 1 variant allele, 1 heterozygote.
Comment: This missense variant replaces asparagine with lysine at codon 263 of the SMAD4 protein. Computational prediction suggests that this variant may not impact protein structure and function (internally defined REVEL score threshold <= 0.5, PMID: 27666373). To our knowledge, functional studies have not been reported for this variant. This variant has not been reported in individuals affected with SMAD4-related disorders in the literature. This variant has not been identified in the general population by the Genome Aggregation Database (gnomAD). The available evidence is insufficient to determine the role of this variant in disease conclusively. Therefore, this variant is classified as a Variant of Uncertain Significance.

This study involves interpretation of variants in research participants for the purpose of population health screening. Participant phenotype was not available at the time of variant classification. Additional details can be found in publication PMID: 35346344, PMCID: PMC8962531

Color Diagnostics, LLC DBA Color Health
Classification: Uncertain significance for Hereditary cancer-predisposing syndrome. Last evaluated: 2024-07-18. Review status: criteria provided, single submitter. Criteria: ACMG Guidelines, 2015. Collection method: clinical testing. Allele origin: germline.
Comment: This missense variant replaces asparagine with lysine at codon 263 of the SMAD4 protein. Computational prediction suggests that this variant may not impact protein structure and function (internally defined REVEL score threshold <= 0.5, PMID: 27666373). To our knowledge, functional studies have not been reported for this variant. This variant has not been reported in individuals affected with SMAD4-related disorders in the literature. This variant has not been identified in the general population by the Genome Aggregation Database (gnomAD). The available evidence is insufficient to determine the role of this variant in disease conclusively. Therefore, this variant is classified as a Variant of Uncertain Significance.

Ambry Genetics
Classification: Uncertain significance for Hereditary cancer-predisposing syndrome; Familial thoracic aortic aneurysm and aortic dissection. Last evaluated: 2021-12-10. Review status: criteria provided, single submitter. Criteria: Ambry Variant Classification Scheme 2023. Collection method: clinical testing. Allele origin: germline.
Comment: The p.N263K variant (also known as c.789C>G), located in coding exon 6 of the SMAD4 gene, results from a C to G substitution at nucleotide position 789. The asparagine at codon 263 is replaced by lysine, an amino acid with similar properties. This amino acid position is highly conserved in available vertebrate species. In addition, this alteration is predicted to be tolerated by in silico analysis. Since supporting evidence is limited at this time, the clinical significance of this alteration remains unclear.